The following is an entry in ClinVar:

ClinVar aggregate classification (germline): Uncertain significance (1 of 4 stars; one submission).

Submission:

GeneDx
Classification: Uncertain significance. Last evaluated: 2023-01-25. Review status: criteria provided, single submitter. Criteria: GeneDx Variant Classification Process June 2021. Collection method: clinical testing. Allele origin: germline. Affected: yes.
Comment: Not observed at significant frequency in large population cohorts (gnomAD); In silico analysis supports that this missense variant does not alter protein structure/function; Has not been previously published as pathogenic or benign to our knowledge

NM_031407.7(HUWE1):c.5222A>G (p.Lys1741Arg)

Gene: HUWE1 (HECT, UBA and WWE domain containing E3 ubiquitin protein ligase 1; minus strand). Cytogenetic location: Xp11.22.
Variant type: single nucleotide variant.
Coding change: c.5222A>G on transcript NM_031407.7 (MANE Select); coding-DNA position 5222, A replaced by G.
Protein change: p.Lys1741Arg; replaces lysine 1741 with arginine.
Molecular consequence: missense variant.
Genome position (GRCh38, 1-based): chrX:53,583,856, T>C on the plus strand (A>G on the coding strand, the complement: HUWE1 is on the minus strand). VCF-style: chrX-53583856-T-C. GRCh37 (hg19) VCF-style: chrX-53610816-T-C.
Other names: short protein forms K1741R.
Identifiers: ClinVar variation 2574324 (VCV002574324.1), dbSNP rs2525533335, ClinGen allele CA413174289.
Genomic context (GRCh38, chrX:53,583,856, plus strand): 5'-GCCCGGATTAAAACAGTCACCATATCTTCTGTCAAGCCCTGGATCAGGATCTCCCCGATT[T>C]TTGTTTCCTCCAGGCTTGTCTCCTTTTCAGTGTTTGTACTCTCTAGGGCCAAAGGGGTAT-3'
Protein context (NP_113584.3, residues 1731-1751): TEKETSLEET[Lys1741Arg]IGEILIQGLT